The following is an entry in ClinVar:

ClinVar aggregate classification (germline): Pathogenic/Likely pathogenic. Review status: criteria provided, multiple submitters, no conflicts (2 of 4 stars). 2 submissions from 2 submitters: Pathogenic (1); Likely pathogenic (1). Last evaluated 2023-07-21.

Conditions:
Hypertrophic cardiomyopathy 12. Identifiers: MedGen C2677491, MONDO:0012804, OMIM 612124.
Dilated cardiomyopathy 1M (CMD1M). Identifiers: Orphanet 154, MedGen C1843808, MONDO:0011840, OMIM 607482.
Cardiomyopathy (CMYO). Also called: Cardiomyopathies. Identifiers: Orphanet 167848, MedGen C0878544, MONDO:0004994, HP:0001638. Inheritance: Various modes of inheritance.

Submissions (2):

Labcorp Genetics (formerly Invitae), Labcorp
Classification: Pathogenic for Hypertrophic cardiomyopathy 12; Dilated cardiomyopathy 1M. Last evaluated: 2023-07-21. Review status: criteria provided, single submitter. Criteria: Invitae Variant Classification Sherloc (09022015). Collection method: clinical testing. Allele origin: germline.
Comment: This variant has not been reported in the literature in individuals affected with CSRP3-related conditions. This variant is not present in population databases (gnomAD no frequency). This sequence change creates a premature translational stop signal (p.Cys37*) in the CSRP3 gene. It is expected to result in an absent or disrupted protein product. Loss-of-function variants in CSRP3 are known to be pathogenic (PMID: 12642359, 14567970, 16352453, 20087448, 34558151). ClinVar contains an entry for this variant (Variation ID: 915721). For these reasons, this variant has been classified as Pathogenic.

CHEO Genetics Diagnostic Laboratory, Children's Hospital of Eastern Ontario
Classification: Likely pathogenic for Cardiomyopathy. Last evaluated: 2018-04-24. Review status: criteria provided, single submitter. Criteria: ACMG Guidelines, 2015. Collection method: clinical testing. Allele origin: germline.

Literature cited by the submitters: PubMed 12642359 (cited by Labcorp Genetics (formerly Invitae), Labcorp); PubMed 14567970 (cited by Labcorp Genetics (formerly Invitae), Labcorp); PubMed 16352453 (cited by Labcorp Genetics (formerly Invitae), Labcorp); PubMed 20087448 (cited by Labcorp Genetics (formerly Invitae), Labcorp); PubMed 34558151 (cited by Labcorp Genetics (formerly Invitae), Labcorp).

NM_003476.5(CSRP3):c.111C>A (p.Cys37Ter)

Gene: CSRP3 (cysteine and glycine rich protein 3; minus strand). Cytogenetic location: 11p15.1.
Variant type: single nucleotide variant.
Coding change: c.111C>A on transcript NM_003476.5 (MANE Select); coding-DNA position 111, C replaced by A.
Protein change: p.Cys37Ter; replaces cysteine 37 with a stop codon.
Molecular consequence: nonsense.
Genome position (GRCh38, 1-based): chr11:19,192,338, G>T on the plus strand (C>A on the coding strand, the complement: CSRP3 is on the minus strand). VCF-style: chr11-19192338-G-T. GRCh37 (hg19) VCF-style: chr11-19213885-G-T.
Other names: c.111C>A, p.Cys37Ter (NM_001369404.1); short protein forms C37*.
Identifiers: ClinVar variation 915721 (VCV000915721.8), dbSNP rs1850628800, ClinGen allele CA379888465.